The following is an entry in ClinVar:

ClinVar aggregate classification (germline): Conflicting classifications of pathogenicity. Review status: criteria provided, conflicting classifications (1 of 4 stars). 8 submissions from 8 submitters: Uncertain significance (7); Likely benign (1). Last evaluated 2026-07-17.

Conditions:
TRPV4-related disorder. Also called: TRPV4-related disorders; TRPV4-related condition.
Charcot-Marie-Tooth disease. Also called: Charcot-Marie-Tooth Neuropathy; Charcot-Marie-Tooth Hereditary Neuropathy. Identifiers: Orphanet 166, MedGen C0007959, MONDO:0015626.
Charcot-Marie-Tooth disease axonal type 2C (HMSN2C). Also called: CHARCOT-MARIE-TOOTH DISEASE, AXONAL, AUTOSOMAL DOMINANT, TYPE 2C; Charcot-Marie-Tooth Neuropathy Type 2C; Charcot-Marie-Tooth Disease Type 2, TRPV4-Related (CMT2C). Identifiers: Orphanet 99937, MedGen C1853710, MONDO:0011633, OMIM 606071.

Allele frequency attached by ClinVar (database versions not stated): TOPMed 0.00006; gnomAD exomes 0.00011; 1000 Genomes Project 0.00020; gnomAD 0.00005; ExAC 0.00013; 1000 Genomes Project 30x 0.00016.
gnomAD v4.1: 162 of 1,614,168 alleles (0.01%); highest among the groups gnomAD compares: Non-Finnish European, 0.013%; no homozygotes.

Submissions (8):

PreventionGenetics, part of Exact Sciences
Classification: Uncertain significance for TRPV4-related condition. Last evaluated: 2026-07-17. Review status: criteria provided, single submitter. Criteria: ACMG Guidelines, 2015. Collection method: clinical testing. Allele origin: germline.
Comment: The TRPV4 c.847T>A variant is predicted to result in the amino acid substitution p.Tyr283Asn. This variant, also described as c.745T>A (p.Tyr249Asn), has been reported in at least four individuals with TRPV4 related disorders (Table S2, Volodarsky et al. 2021. PubMed ID: 32376792; Table 6, Tian et al. 2018. PubMed ID: 29770609; Table 3, Di Stefano et al. 2020. PubMed ID: 31928344). However, this variant is reported in 0.022% of alleles in individuals of European (non-Finnish) descent in gnomAD, which is more common than would be expected for disease causing variant. At this time, the clinical significance of this variant is uncertain due to the absence of conclusive functional and genetic evidence.

Labcorp Genetics (formerly Invitae), Labcorp
Classification: Uncertain significance for Charcot-Marie-Tooth disease axonal type 2C. Last evaluated: 2024-11-11. Review status: criteria provided, single submitter. Criteria: Invitae Variant Classification Sherloc (09022015). Collection method: clinical testing. Allele origin: germline.
Comment: This sequence change replaces tyrosine, which is neutral and polar, with asparagine, which is neutral and polar, at codon 283 of the TRPV4 protein (p.Tyr283Asn). This variant is present in population databases (rs200210023, gnomAD 0.02%). This missense change has been observed in individual(s) with blepharospasm and/or clinical features of Charcot-Marie-Tooth disease (PMID: 29770609, 32376792). This variant is also known as c.745T>A (p.Tyr249Asn). ClinVar contains an entry for this variant (Variation ID: 409292). Invitae Evidence Modeling of protein sequence and biophysical properties (such as structural, functional, and spatial information, amino acid conservation, physicochemical variation, residue mobility, and thermodynamic stability) has been performed for this missense variant. However, the output from this modeling did not meet the statistical confidence thresholds required to predict the impact of this variant on TRPV4 protein function. In summary, the available evidence is currently insufficient to determine the role of this variant in disease. Therefore, it has been classified as a Variant of Uncertain Significance.

Blueprint Genetics
Classification: Likely benign. Last evaluated: 2024-10-24. Review status: criteria provided, single submitter. Criteria: ACMG Guidelines, 2015. Collection method: clinical testing. Allele origin: germline.

Mayo Clinic Laboratories, Mayo Clinic
Classification: Uncertain significance. Last evaluated: 2024-08-09. Review status: criteria provided, single submitter. Criteria: ACMG Guidelines, 2015. Collection method: clinical testing. Allele origin: germline. Observed: 1 variant allele.
Comment: BS2, PP3

GeneDx
Classification: Uncertain significance. Last evaluated: 2023-03-15. Review status: criteria provided, single submitter. Criteria: GeneDx Variant Classification Process June 2021. Collection method: clinical testing. Allele origin: germline. Affected: yes.
Comment: In silico analysis supports that this missense variant has a deleterious effect on protein structure/function; Has not been previously reported to be associated with neuromuscular disorders; Di Stefano G et al. (2020) Cephalalgia. 40 (8):767-777 (PMID: 31928344); This variant is associated with the following publications: (PMID: 30385747, 33338828, 31928344, 32376792)

CeGaT Center for Human Genetics Tuebingen
Classification: Uncertain significance. Last evaluated: 2021-06-01. Review status: criteria provided, single submitter. Criteria: CeGaT Center For Human Genetics Tuebingen Variant Classification Criteria Version 2. Collection method: clinical testing. Allele origin: germline. Affected: yes. Observed: 1 variant allele.

Athena Diagnostics
Classification: Uncertain significance. Last evaluated: 2016-11-23. Review status: criteria provided, single submitter. Criteria: Athena Diagnostics Criteria. Collection method: clinical testing. Allele origin: germline.

Molecular Genetics Laboratory, London Health Sciences Centre
Classification: Uncertain significance for Charcot-Marie-Tooth disease. Review status: criteria provided, single submitter. Criteria: ACMG Guidelines, 2015. Collection method: clinical testing. Allele origin: germline. Affected: yes.

Literature cited by the submitters: PubMed 29770609 (cited by Labcorp Genetics (formerly Invitae), Labcorp and Mayo Clinic Laboratories, Mayo Clinic); PubMed 32376792 (cited by Labcorp Genetics (formerly Invitae), Labcorp and Mayo Clinic Laboratories, Mayo Clinic); PubMed 30385747 (cited by Mayo Clinic Laboratories, Mayo Clinic); PubMed 31928344 (cited by Mayo Clinic Laboratories, Mayo Clinic).

NM_021625.5(TRPV4):c.847T>A (p.Tyr283Asn)

Gene: TRPV4 (transient receptor potential cation channel subfamily V member 4; minus strand). Cytogenetic location: 12q24.11.
Variant type: single nucleotide variant.
Coding change: c.847T>A on transcript NM_021625.5 (MANE Select); coding-DNA position 847, T replaced by A.
Protein change: p.Tyr283Asn; replaces tyrosine 283 with asparagine.
Molecular consequence: missense variant. On other transcripts: intron variant (2).
Genome position (GRCh38, 1-based): chr12:109,800,624, A>T on the plus strand (T>A on the coding strand, the complement: TRPV4 is on the minus strand). VCF-style: chr12-109800624-A-T. GRCh37 (hg19) VCF-style: chr12-110238429-A-T.
Other names: c.745T>A, p.Tyr249Asn (NM_001177431.2); c.847T>A, p.Tyr283Asn (NM_147204.3); c.713-1712T>A (NM_001177433.1, NM_001177428.1); short protein forms Y283N, Y249N.
Identifiers: ClinVar variation 409292 (VCV000409292.51), dbSNP rs200210023, ClinGen allele CA6780416.
Genomic context (GRCh38, chr12:109,800,624, plus strand): 5'-TCTCCCGCCATGCTTCTCCAGCATGCTGTCAGCCCCCACCAGGCCCCTCCTTACCAAAGT[A>T]GAAGTAGCCCCCCTCATCCTTGGGCTGGAAGAAGCGCCCACGGGCCTGGGCGTGGACATC-3'
Protein context (NP_067638.3, residues 273-293): FQPKDEGGYF[Tyr283Asn]FGELPLSLAA